The following is an entry in ClinVar:

NM_020822.3(KCNT1):c.399C>A (p.Arg133=)

Gene: KCNT1 (potassium sodium-activated channel subfamily T member 1; plus strand). Cytogenetic location: 9q34.3.
Variant type: single nucleotide variant.
Coding change: c.399C>A on transcript NM_020822.3 (MANE Select); coding-DNA position 399, C replaced by A.
Protein change: p.Arg133=; no amino-acid change (arginine 133 retained).
Molecular consequence: synonymous variant.
Genome position (GRCh38, 1-based): chr9:135,751,006, C>A. VCF-style: chr9-135751006-C-A. GRCh37 (hg19) VCF-style: chr9-138642852-C-A.
Other names: c.255C>A, p.Arg85= (NM_001272003.2).
Identifiers: ClinVar variation 389433 (VCV000389433.10), dbSNP rs377259793, ClinGen allele CA5326399.

ClinVar aggregate classification (germline): Likely benign. Review status: criteria provided, multiple submitters, no conflicts (2 of 4 stars). 4 submissions from 3 submitters: Likely benign (4). Last evaluated 2026-02-02.

Conditions:
Developmental and epileptic encephalopathy, 14 (DEE14). Also called: Early infantile epileptic encephalopathy 14. Identifiers: Orphanet 293181, MedGen C3554195, MONDO:0013989, OMIM 614959.
Autosomal dominant nocturnal frontal lobe epilepsy 5. Also called: KCNT1-Related Epilepsy; CILIARY DYSKINESIA, PRIMARY, 28, WITHOUT SITUS INVERSUS; CILIARY DYSKINESIA, PRIMARY, 28, WITH SITUS INVERSUS; Epilepsy, nocturnal frontal lobe, 5. Identifiers: Orphanet 98784, MedGen C3554306, MONDO:0014002, OMIM 615005.

Allele frequency attached by ClinVar (database versions not stated): ExAC 0.00002; TOPMed 0.00002; ESP Exome Variant Server 0.00008.
gnomAD v4.1: 26 of 1,612,572 alleles (0.0016%); highest among the groups gnomAD compares: Non-Finnish European, 0.0022%; no homozygotes.

Submissions (4):

Labcorp Genetics (formerly Invitae), Labcorp
Classification: Likely benign for Autosomal dominant nocturnal frontal lobe epilepsy 5; Developmental and epileptic encephalopathy, 14. Last evaluated: 2026-02-02. Review status: criteria provided, single submitter. Criteria: Invitae Variant Classification Sherloc (09022015). Collection method: clinical testing. Allele origin: germline.

Genome-Nilou Lab
Classification: Likely benign for Developmental and epileptic encephalopathy, 14. Last evaluated: 2022-03-15. Review status: criteria provided, single submitter. Criteria: ACMG Guidelines, 2015. Collection method: clinical testing. Allele origin: germline. Affected: no.

Genome-Nilou Lab
Classification: Likely benign for Autosomal dominant nocturnal frontal lobe epilepsy 5. Last evaluated: 2022-03-15. Review status: criteria provided, single submitter. Criteria: ACMG Guidelines, 2015. Collection method: clinical testing. Allele origin: germline. Affected: no.

GeneDx
Classification: Likely benign. Last evaluated: 2016-09-20. Review status: criteria provided, single submitter. Criteria: GeneDx Variant Classification (06012015). Collection method: clinical testing. Allele origin: germline. Affected: yes.
Comment: This variant is considered likely benign or benign based on one or more of the following criteria: it is a conservative change, it occurs at a poorly conserved position in the protein, it is predicted to be benign by multiple in silico algorithms, and/or has population frequency not consistent with disease.